The following is an entry in ClinVar:

ClinVar aggregate classification (germline): Benign (1 of 4 stars; one submission).

Conditions:
Goldberg-Shprintzen syndrome. Identifiers: Orphanet 66629, MedGen C1836123, MONDO:0012280, OMIM 609460.

Allele frequency attached by ClinVar (database versions not stated): 1000 Genomes Project 30x 0.03998; 1000 Genomes Project 0.04273; gnomAD exomes 0.04886; TOPMed 0.05390; gnomAD 0.05622 and 0.05632.
gnomAD v4.1: 8,909 of 157,562 alleles (5.7%); highest among the groups gnomAD compares: Middle Eastern, 10%; 310 homozygotes.

Submission:

Illumina Laboratory Services, Illumina
Classification: Benign for Goldberg-Shprintzen syndrome. Last evaluated: 2018-01-12. Review status: criteria provided, single submitter. Criteria: ICSL Variant Classification Criteria 13 December 2019. Collection method: clinical testing. Allele origin: germline.
Comment: This variant was observed in the ICSL laboratory as part of a predisposition screen in an ostensibly healthy population. It had not been previously curated by ICSL or reported in the Human Gene Mutation Database (HGMD: prior to June 1st, 2018), and was therefore a candidate for classification through an automated scoring system. Utilizing variant allele frequency, disease prevalence and penetrance estimates, and inheritance mode, an automated score was calculated to assess if this variant is too frequent to cause the disease. Based on the score and internal cut-off values, a variant classified as benign is not then subjected to further curation. The score for this variant resulted in a classification of benign for this disease.

NM_015634.4(KIFBP):c.*415C>T

Gene: KIFBP (kinesin family binding protein; plus strand). Cytogenetic location: 10q22.1.
Variant type: single nucleotide variant.
Coding change: c.*415C>T on transcript NM_015634.4 (MANE Select); 415 bases downstream of the stop codon, C replaced by T.
Molecular consequence: 3 prime UTR variant.
Genome position (GRCh38, 1-based): chr10:69,016,831, C>T. VCF-style: chr10-69016831-C-T. GRCh37 (hg19) VCF-style: chr10-70776587-C-T.
Identifiers: ClinVar variation 878761 (VCV000878761.4), dbSNP rs1058645, ClinGen allele CA209208307.